The following is an entry in ClinVar:

NM_002473.6(MYH9):c.5593-14G>A

Gene: MYH9 (myosin heavy chain 9; minus strand). Cytogenetic location: 22q12.3.
Variant type: single nucleotide variant.
Coding change: c.5593-14G>A on transcript NM_002473.6 (MANE Select); 14 bases into the intron before coding-DNA position 5593, G replaced by A.
Molecular consequence: intron variant.
Genome position (GRCh38, 1-based): chr22:36,284,279, C>T on the plus strand (G>A on the coding strand, the complement: MYH9 is on the minus strand). VCF-style: chr22-36284279-C-T. GRCh37 (hg19) VCF-style: chr22-36680325-C-T.
Identifiers: ClinVar variation 341493 (VCV000341493.8), dbSNP rs201676960, ClinGen allele CA10208981.
Genomic context (GRCh38, chr22:36,284,279, plus strand): 5'-TCCAGCTGCCGCTTGAGCTGCTTCAGGCGGGTAGATGCCTTGTCGGCCTGCGGAGATGGA[C>T]GTGTGGCCCGTGGCCCCGGTTAGGGGCTCTGGGCGTGCAGCCAGTCAGCCCCACTGCCCT-3'

ClinVar aggregate classification (germline): Conflicting classifications of pathogenicity. Review status: criteria provided, conflicting classifications (1 of 4 stars). 3 submissions from 2 submitters: Uncertain significance (1); Benign (1); Likely benign (1). Last evaluated 2025-10-15.

Conditions:
Autosomal dominant nonsyndromic hearing loss 17. Also called: Autosomal dominant nonsyndromic deafness 17; Deafness, autosomal dominant 17. Identifiers: Orphanet 90635, MedGen C1863659, MONDO:0011350, OMIM 603622.
MYH9-related disorder. Identifiers: MedGen C1854520.

Allele frequency attached by ClinVar (database versions not stated): TOPMed 0.00013.
gnomAD v4.1: 128 of 1,606,966 alleles (0.008%); highest among the groups gnomAD compares: Non-Finnish European, 0.01%; no homozygotes.

Submissions (3):

Labcorp Genetics (formerly Invitae), Labcorp
Classification: Likely benign. Last evaluated: 2025-10-15. Review status: criteria provided, single submitter. Criteria: Invitae Variant Classification Sherloc (09022015). Collection method: clinical testing. Allele origin: germline.

Illumina Laboratory Services, Illumina
Classification: Uncertain significance for Autosomal dominant nonsyndromic hearing loss 17. Last evaluated: 2018-01-13. Review status: criteria provided, single submitter. Criteria: ICSL Variant Classification Criteria 13 December 2019. Collection method: clinical testing. Allele origin: germline.

Illumina Laboratory Services, Illumina
Classification: Benign for MYH9-related disorder. Last evaluated: 2018-01-13. Review status: criteria provided, single submitter. Criteria: ICSL Variant Classification Criteria 13 December 2019. Collection method: clinical testing. Allele origin: germline.
Comment: This variant was observed in the ICSL laboratory as part of a predisposition screen in an ostensibly healthy population. It had not been previously curated by ICSL or reported in the Human Gene Mutation Database (HGMD: prior to June 1st, 2018), and was therefore a candidate for classification through an automated scoring system. Utilizing variant allele frequency, disease prevalence and penetrance estimates, and inheritance mode, an automated score was calculated to assess if this variant is too frequent to cause the disease. Based on the score and internal cut-off values, a variant classified as benign is not then subjected to further curation. The score for this variant resulted in a classification of benign for this disease.